The following is an entry in ClinVar:

NM_000095.3(COMP):c.1096_1097insATGCGT (p.Gly366delinsAspAlaCys)

Gene: COMP (cartilage oligomeric matrix protein; minus strand). Cytogenetic location: 19p13.11.
Variant type: Insertion.
Coding change: c.1096_1097insATGCGT on transcript NM_000095.3 (MANE Select); coding-DNA positions 1096 to 1097, ATGCGT inserted.
Protein change: p.Gly366delinsAspAlaCys.
Molecular consequence: inframe indel.
Genome position: GRCh38 VCF-style: chr19-18787529-C-CACGCAT. GRCh37 (hg19) VCF-style: chr19-18898338-C-CACGCAT.
Identifiers: ClinVar variation 1519275 (VCV001519275.8), dbSNP rs2145902186, ClinGen allele CA2573156203.
Genomic context (GRCh38, chr19:18,787,529, plus strand): 5'-CCCCAACCCCCATCGAGCTCACGGTCGCCGTCGATGTCGTCGTCGCACGCATCGCCCCGG[C>CACGCAT]CGTCCTGGTCTGTGTCCTTTTGGTCGTCGTTCTTCTGGGACCGGCAGTTGTCGCACGCAT-3'

ClinVar aggregate classification (germline): Uncertain significance (1 of 4 stars; one submission).

Submission:

Labcorp Genetics (formerly Invitae), Labcorp
Classification: Uncertain significance. Last evaluated: 2022-10-05. Review status: criteria provided, single submitter. Criteria: Invitae Variant Classification Sherloc (09022015). Collection method: clinical testing. Allele origin: germline.
Comment: This variant, c.1096_1097insATGCGT, is a complex sequence change that results in the deletion of 1 and insertion of 3 amino acid(s) in the COMP protein (p.Gly366delinsAspAlaCys). This variant is not present in population databases (gnomAD no frequency). This variant has not been reported in the literature in individuals affected with COMP-related conditions. ClinVar contains an entry for this variant (Variation ID: 1519275). Experimental studies and prediction algorithms are not available or were not evaluated, and the functional significance of this variant is currently unknown. In summary, the available evidence is currently insufficient to determine the role of this variant in disease. Therefore, it has been classified as a Variant of Uncertain Significance.